The following is an entry in ClinVar:

ClinVar aggregate classification (germline): Uncertain significance (1 of 4 stars; one submission).

Conditions:
Progressive familial heart block type IB (PFHB1B). Identifiers: Orphanet 871, MedGen C1970298, MONDO:0011474, OMIM 604559.

gnomAD v4.1: 1 of 1,551,876 alleles (0.000064%); highest among the groups gnomAD compares: East Asian, 0.0024%; no homozygotes.

Submission:

Labcorp Genetics (formerly Invitae), Labcorp
Classification: Uncertain significance for Progressive familial heart block type IB. Last evaluated: 2026-01-11. Review status: criteria provided, single submitter. Criteria: Invitae Variant Classification Sherloc (09022015). Collection method: clinical testing. Allele origin: germline.
Comment: This sequence change replaces valine, which is neutral and non-polar, with leucine, which is neutral and non-polar, at codon 800 of the TRPM4 protein (p.Val800Leu). This variant is not present in population databases (gnomAD no frequency). This variant has not been reported in the literature in individuals affected with TRPM4-related conditions. An algorithm developed to predict the effect of missense changes on protein structure and function (PolyPhen-2) suggests that this variant is likely to be disruptive. In summary, the available evidence is currently insufficient to determine the role of this variant in disease. Therefore, it has been classified as a Variant of Uncertain Significance.

NM_017636.4(TRPM4):c.2398G>T (p.Val800Leu)

Gene: TRPM4 (transient receptor potential cation channel subfamily M member 4; plus strand). Cytogenetic location: 19q13.33.
Variant type: single nucleotide variant.
Coding change: c.2398G>T on transcript NM_017636.4 (MANE Select); coding-DNA position 2398, G replaced by T.
Protein change: p.Val800Leu; replaces valine 800 with leucine.
Molecular consequence: missense variant. On other transcripts: intron variant (1).
Genome position (GRCh38, 1-based): chr19:49,196,627, G>T. VCF-style: chr19-49196627-G-T. GRCh37 (hg19) VCF-style: chr19-49699884-G-T.
Other names: c.2053G>T, p.Val685Leu (NM_001321281.2); c.790G>T, p.Val264Leu (NM_001321282.2); c.1876G>T, p.Val626Leu (NM_001321283.2); c.1336G>T, p.Val446Leu (NM_001321285.2); c.2211-3673G>T (NM_001195227.2); short protein forms V446L, V264L, V800L, V626L, V685L.
Identifiers: ClinVar variation 4735079 (VCV004735079.1).